The following is an entry in ClinVar:

ClinVar aggregate classification (germline): Pathogenic. Review status: criteria provided, multiple submitters, no conflicts (2 of 4 stars). 3 submissions from 3 submitters: Pathogenic (3). Last evaluated 2024-03-26.

Conditions:
Retinitis pigmentosa 54 (RP54). Identifiers: Orphanet 791, MedGen C3150691, MONDO:0013263, OMIM 613428.

Submissions (3):

Genomic Medicine Center of Excellence, King Faisal Specialist Hospital and Research Centre
Classification: Pathogenic for Retinitis pigmentosa 54. Last evaluated: 2024-03-26. Review status: criteria provided, single submitter. Criteria: ACMG Guidelines, 2015. Collection method: clinical testing. Allele origin: germline.

Labcorp Genetics (formerly Invitae), Labcorp
Classification: Pathogenic. Last evaluated: 2023-08-04. Review status: criteria provided, single submitter. Criteria: Invitae Variant Classification Sherloc (09022015). Collection method: clinical testing. Allele origin: germline.
Comment: This variant has not been reported in the literature in individuals affected with PCARE-related conditions. For these reasons, this variant has been classified as Pathogenic. ClinVar contains an entry for this variant (Variation ID: 987347). This variant is not present in population databases (gnomAD no frequency). This sequence change creates a premature translational stop signal (p.Lys902*) in the PCARE gene. It is expected to result in an absent or disrupted protein product. Loss-of-function variants in PCARE are known to be pathogenic (PMID: 20398886, 24339724, 26496393).

Institute of Medical Genetics and Applied Genomics, University Hospital Tübingen
Classification: Pathogenic. Last evaluated: 2020-10-23. Review status: criteria provided, single submitter. Criteria: ACMG Guidelines, 2015. Collection method: clinical testing. Allele origin: germline. Inheritance: Autosomal recessive inheritance. Affected: yes.

Literature cited by the submitters: PubMed 20398886 (cited by Labcorp Genetics (formerly Invitae), Labcorp); PubMed 24339724 (cited by Labcorp Genetics (formerly Invitae), Labcorp); PubMed 26496393 (cited by Labcorp Genetics (formerly Invitae), Labcorp).

NM_001029883.3(PCARE):c.2704A>T (p.Lys902Ter)

Gene: PCARE (photoreceptor cilium actin regulator; minus strand). Cytogenetic location: 2p23.2.
Variant type: single nucleotide variant.
Coding change: c.2704A>T on transcript NM_001029883.3 (MANE Select); coding-DNA position 2704, A replaced by T.
Protein change: p.Lys902Ter; replaces lysine 902 with a stop codon.
Molecular consequence: nonsense.
Genome position (GRCh38, 1-based): chr2:29,071,558, T>A on the plus strand (A>T on the coding strand, the complement: PCARE is on the minus strand). VCF-style: chr2-29071558-T-A. GRCh37 (hg19) VCF-style: chr2-29294424-T-A.
Other names: short protein forms K902*.
Identifiers: ClinVar variation 987347 (VCV000987347.7), dbSNP rs1667483876, ClinGen allele CA346476609.